The following is an entry in ClinVar:

NM_001365999.1(SZT2):c.5161C>T (p.His1721Tyr)

Gene: SZT2 (SZT2 subunit of KICSTOR complex; plus strand). Cytogenetic location: 1p34.2.
Variant type: single nucleotide variant.
Coding change: c.5161C>T on transcript NM_001365999.1 (MANE Select); coding-DNA position 5161, C replaced by T.
Protein change: p.His1721Tyr; replaces histidine 1721 with tyrosine.
Molecular consequence: missense variant.
Genome position (GRCh38, 1-based): chr1:43,431,788, C>T. VCF-style: chr1-43431788-C-T. GRCh37 (hg19) VCF-style: chr1-43897459-C-T.
Other names: c.4990C>T, p.His1664Tyr (NM_015284.4); short protein forms H1664Y, H1721Y.
Identifiers: ClinVar variation 646206 (VCV000646206.12), dbSNP rs376678520, ClinGen allele CA809499.

ClinVar aggregate classification (germline): Uncertain significance. Review status: criteria provided, multiple submitters, no conflicts (2 of 4 stars). 5 submissions from 5 submitters: Uncertain significance (5). Last evaluated 2026-05-14.

Conditions:
Inborn genetic diseases. Identifiers: MedGen C0950123, MeSH D030342.
Developmental and epileptic encephalopathy, 18 (DEE18). Also called: Early infantile epileptic encephalopathy 18. Identifiers: Orphanet 369894, MedGen C3809624, MONDO:0014201, OMIM 615476.

Allele frequency attached by ClinVar (database versions not stated): gnomAD 0.00010 and 0.00011; gnomAD exomes 0.00010; TOPMed 0.00010; ExAC 0.00011; ESP Exome Variant Server 0.00015.
gnomAD v4.1: 295 of 1,614,110 alleles (0.018%); highest among the groups gnomAD compares: Non-Finnish European, 0.024%; no homozygotes.

Submissions (5):

GeneDx
Classification: Uncertain significance. Last evaluated: 2026-05-14. Review status: criteria provided, single submitter. Criteria: GeneDx Variant Classification Process June 2021. Collection method: clinical testing. Allele origin: germline.
Comment: In silico analysis suggests that this missense variant does not alter protein structure/function; Has not been previously published as pathogenic or benign to our knowledge

Ambry Genetics
Classification: Uncertain significance for Inborn genetic diseases. Last evaluated: 2024-07-14. Review status: criteria provided, single submitter. Criteria: Ambry Variant Classification Scheme 2023. Collection method: clinical testing. Allele origin: germline.

Blueprint Genetics
Classification: Uncertain significance. Last evaluated: 2024-05-06. Review status: criteria provided, single submitter. Criteria: ACMG Guidelines, 2015. Collection method: clinical testing. Allele origin: germline.

Labcorp Genetics (formerly Invitae), Labcorp
Classification: Uncertain significance. Last evaluated: 2024-01-08. Review status: criteria provided, single submitter. Criteria: Invitae Variant Classification Sherloc (09022015). Collection method: clinical testing. Allele origin: germline.
Comment: This sequence change replaces histidine, which is basic and polar, with tyrosine, which is neutral and polar, at codon 1664 of the SZT2 protein (p.His1664Tyr). This variant is present in population databases (rs376678520, gnomAD 0.02%). This variant has not been reported in the literature in individuals affected with SZT2-related conditions. ClinVar contains an entry for this variant (Variation ID: 646206). Advanced modeling of protein sequence and biophysical properties (such as structural, functional, and spatial information, amino acid conservation, physicochemical variation, residue mobility, and thermodynamic stability) performed at Invitae indicates that this missense variant is not expected to disrupt SZT2 protein function with a negative predictive value of 80%. In summary, the available evidence is currently insufficient to determine the role of this variant in disease. Therefore, it has been classified as a Variant of Uncertain Significance.

Genome-Nilou Lab
Classification: Uncertain significance for Developmental and epileptic encephalopathy, 18. Last evaluated: 2023-04-11. Review status: criteria provided, single submitter. Criteria: ACMG Guidelines, 2015. Collection method: clinical testing. Allele origin: germline. Affected: no.